The following is an entry in ClinVar:

NM_001271.4(CHD2):c.3497C>T (p.Ser1166Leu)

Gene: CHD2 (chromodomain helicase DNA binding protein 2; plus strand). Cytogenetic location: 15q26.1.
Variant type: single nucleotide variant.
Coding change: c.3497C>T on transcript NM_001271.4 (MANE Select); coding-DNA position 3497, C replaced by T.
Protein change: p.Ser1166Leu; replaces serine 1166 with leucine.
Molecular consequence: missense variant.
Genome position (GRCh38, 1-based): chr15:92,992,900, C>T. VCF-style: chr15-92992900-C-T. GRCh37 (hg19) VCF-style: chr15-93536130-C-T.
Other names: short protein forms S1166L.
Identifiers: ClinVar variation 420370 (VCV000420370.14), dbSNP rs1064794438, ClinGen allele CA16620053.

ClinVar aggregate classification (germline): Conflicting classifications of pathogenicity. Review status: criteria provided, conflicting classifications (1 of 4 stars). 3 submissions from 3 submitters: Likely pathogenic (2); Uncertain significance (1). Last evaluated 2026-10-15.

Conditions:
Developmental and epileptic encephalopathy 94 (DEE94). Also called: Epileptic encephalopathy, childhood-onset; CHD2-Related Neurodevelopmental Disorders. Identifiers: Orphanet 1942, Orphanet 2382, MedGen C3809278, MONDO:0014150, OMIM 615369.
CHD2-related disorder. Also called: CHD2-related condition.

Submissions (3):

GeneDx
Classification: Likely pathogenic. Last evaluated: 2026-10-15. Review status: criteria provided, single submitter. Criteria: GeneDx Variant Classification Process June 2021. Collection method: clinical testing. Allele origin: germline.
Comment: Not observed at significant frequency in large population cohorts (gnomAD); In silico analysis supports that this missense variant has a deleterious effect on protein structure/function; This variant is associated with the following publications: (PMID: 39035822)

Labcorp Genetics (formerly Invitae), Labcorp
Classification: Uncertain significance for Developmental and epileptic encephalopathy 94. Last evaluated: 2023-06-18. Review status: criteria provided, single submitter. Criteria: Invitae Variant Classification Sherloc (09022015). Collection method: clinical testing. Allele origin: germline.
Comment: This sequence change replaces serine, which is neutral and polar, with leucine, which is neutral and non-polar, at codon 1166 of the CHD2 protein (p.Ser1166Leu). In summary, the available evidence is currently insufficient to determine the role of this variant in disease. Therefore, it has been classified as a Variant of Uncertain Significance. Advanced modeling of protein sequence and biophysical properties (such as structural, functional, and spatial information, amino acid conservation, physicochemical variation, residue mobility, and thermodynamic stability) performed at Invitae indicates that this missense variant is not expected to disrupt CHD2 protein function. ClinVar contains an entry for this variant (Variation ID: 420370). This variant has not been reported in the literature in individuals affected with CHD2-related conditions. This variant is not present in population databases (gnomAD no frequency).

Blueprint Genetics
Classification: Likely pathogenic for CHD2-related disorders. Last evaluated: 2020-12-22. Review status: criteria provided, single submitter. Criteria: ACMG Guidelines, 2015. Collection method: clinical testing. Allele origin: de novo. Affected: yes. Observed: 1 variant allele.